The following is an entry in ClinVar:

ClinVar aggregate classification (germline): Uncertain significance (1 of 4 stars; one submission).

Conditions:
Hereditary cancer-predisposing syndrome. Also called: Neoplastic Syndromes, Hereditary; Tumor predisposition; Hereditary Cancer Syndrome; Hereditary neoplastic syndrome. Identifiers: Orphanet 140162, MedGen C0027672, MeSH D009386, MONDO:0015356.

Submission:

Ambry Genetics
Classification: Uncertain significance for Hereditary cancer-predisposing syndrome. Last evaluated: 2022-08-22. Review status: criteria provided, single submitter. Criteria: Ambry Variant Classification Scheme 2023. Collection method: clinical testing. Allele origin: germline.
Comment: The c.3900_3911dup12 variant (also known as p.A1303_R1304insSNAA), located in coding exon 9 of the MSH6 gene, results from an in-frame duplication of 12 nucleotides at nucleotide positions 3900 to 3911. This results in the insertion of four extra residues between codons 1303 and 1304. This amino acid region is not well conserved in available vertebrate species. This variant is considered to be rare based on population cohorts in the Genome Aggregation Database (gnomAD). Since supporting evidence is limited at this time, the clinical significance of this alteration remains unclear.

NM_000179.3(MSH6):c.3900_3911dup (p.Ala1303_Arg1304insSerAsnAlaAla)

Gene: MSH6 (mutS homolog 6; plus strand). Cytogenetic location: 2p16.3.
Variant type: Duplication.
Coding change: c.3900_3911dup on transcript NM_000179.3 (MANE Select); coding-DNA positions 3900 to 3911, 12 bases duplicated (TAATGCAGCAAG).
Protein change: p.Ala1303_Arg1304insSerAsnAlaAla.
Molecular consequence: inframe insertion. On other transcripts: inframe indel (38).
Genome position (GRCh38, 1-based): chr2:47,806,550-47,806,561, TAATGCAGCAAG duplicated. VCF-style (leftmost placement, unchanged base first): chr2-47806549-T-TTAATGCAGCAAG. GRCh37 (hg19) VCF-style: chr2-48033688-T-TTAATGCAGCAAG.
Other names: c.3510_3521dup, p.Ala1173_Arg1174insSerAsnAlaAla (NM_001281492.2); c.2994_3005dup, p.Ala1001_Arg1002insSerAsnAlaAla (NM_001281493.2, NM_001281494.2, NM_001406811.1 and 6 more transcripts); c.3996_4007dup, p.Ala1335_Arg1336insSerAsnAlaAla (NM_001406795.1); c.3900_3911dup, p.Ala1303_Arg1304insSerAsnAlaAla (NM_001406796.1, NM_001406808.1, NM_001406809.1); c.3603_3614dup, p.Ala1204_Arg1205insSerAsnAlaAla (NM_001406797.1, NM_001406801.1, NM_001406805.1 and 10 more transcripts); c.3726_3737dup, p.Ala1245_Arg1246insSerAsnAlaAla (NM_001406798.1); c.3375_3386dup, p.Ala1128_Arg1129insSerAsnAlaAla (NM_001406799.1, NM_001406806.1, NM_001406807.1); c.3887_3898dup, p.Gln1299_Gly1300insValMetGlnGln (NM_001406800.1); and 9 more.
Identifiers: ClinVar variation 1736018 (VCV001736018.2), dbSNP rs2530866982, ClinGen allele CA2580067445.